The following is an entry in ClinVar:

ClinVar aggregate classification (germline): Uncertain significance. Review status: criteria provided, multiple submitters, no conflicts (2 of 4 stars). 2 submissions from 2 submitters: Uncertain significance (2). Last evaluated 2026-04-06.

Conditions:
Ehlers-Danlos syndrome (EDS). Identifiers: Orphanet 98249, MedGen C0013720, MONDO:0020066.

Allele frequency attached by ClinVar (database versions not stated): gnomAD exomes below 0.00001.
gnomAD v4.1: 1 of 1,614,096 alleles (0.000062%); highest among the groups gnomAD compares: Non-Finnish European, 0.000085%; no homozygotes.

Submissions (2):

GeneDx
Classification: Uncertain significance. Last evaluated: 2026-04-06. Review status: criteria provided, single submitter. Criteria: GeneDx Variant Classification Process June 2021. Collection method: clinical testing. Allele origin: germline.
Comment: Not observed at significant frequency in large population cohorts (gnomAD); In silico analysis supports that this missense variant has a deleterious effect on protein structure/function; Has not been previously published as pathogenic or benign to our knowledge

Genome Diagnostics Laboratory, The Hospital for Sick Children
Classification: Uncertain significance for Ehlers-Danlos syndrome. Last evaluated: 2020-01-09. Review status: criteria provided, single submitter. Criteria: ACMG Guidelines, 2015. Collection method: clinical testing. Allele origin: germline.

NM_004612.4(TGFBR1):c.1071A>C (p.Arg357Ser)

Gene: TGFBR1 (transforming growth factor beta receptor 1; plus strand). Cytogenetic location: 9q22.33.
Variant type: single nucleotide variant.
Coding change: c.1071A>C on transcript NM_004612.4 (MANE Select); coding-DNA position 1071, A replaced by C.
Protein change: p.Arg357Ser; replaces arginine 357 with serine.
Molecular consequence: missense variant.
Genome position (GRCh38, 1-based): chr9:99,144,829, A>C. VCF-style: chr9-99144829-A-C. GRCh37 (hg19) VCF-style: chr9-101907111-A-C.
Other names: c.840A>C, p.Arg280Ser (NM_001130916.3); c.1083A>C, p.Arg361Ser (NM_001306210.2); c.1071A>C (NM_004612.2); short protein forms R280S, R357S, R361S.
Identifiers: ClinVar variation 1702287 (VCV001702287.4), dbSNP rs2118806030, ClinGen allele CA374231528.